The following is an entry in ClinVar:

ClinVar aggregate classification (germline): Likely benign. Review status: criteria provided, multiple submitters, no conflicts (2 of 4 stars). 5 submissions from 5 submitters: Likely benign (4). 1 of the submissions does not count toward it. Last evaluated 2025-09-01.

Conditions:
Early-infantile DEE. Also called: Early infantile epileptic encephalopathy; Ohtahara syndrome; Early infantile epileptic encephalopathy with suppression bursts. Identifiers: Orphanet 1934, MedGen C0393706, MONDO:0800491.
SPTAN1-related disorder. Also called: SPTAN1-related condition; SPTAN1-related disorders.

Allele frequency attached by ClinVar (database versions not stated): gnomAD exomes 0.00002 and 0.00005; ExAC 0.00003; gnomAD 0.00005; TOPMed 0.00005.
gnomAD v4.1: 87 of 1,613,906 alleles (0.0054%); highest among the groups gnomAD compares: Non-Finnish European, 0.0067%; no homozygotes.

Submissions (5):

CeGaT Center for Human Genetics Tuebingen
Classification: Likely benign. Last evaluated: 2025-09-01. Review status: criteria provided, single submitter. Criteria: CeGaT Center For Human Genetics Tuebingen Variant Classification Criteria Version 2. Collection method: clinical testing. Allele origin: germline. Affected: yes. Observed: 2 variant alleles.
Comment: SPTAN1: BP4

Labcorp Genetics (formerly Invitae), Labcorp
Classification: Likely benign for Early-infantile DEE. Last evaluated: 2025-08-04. Review status: criteria provided, single submitter. Criteria: Invitae Variant Classification Sherloc (09022015). Collection method: clinical testing. Allele origin: germline.

Blueprint Genetics
Classification: Likely benign. Last evaluated: 2022-11-14. Review status: criteria provided, single submitter. Criteria: ACMG Guidelines, 2015. Collection method: clinical testing. Allele origin: germline.

GeneDx
Classification: Likely benign. Last evaluated: 2020-10-30. Review status: criteria provided, single submitter. Criteria: GeneDx Variant Classification Process June 2021. Collection method: clinical testing. Allele origin: germline. Affected: yes.

PreventionGenetics, part of Exact Sciences
Classification: Likely benign for SPTAN1-related condition. Last evaluated: 2019-11-11. Review status: no assertion criteria provided. Collection method: clinical testing. Allele origin: germline. Not counted in ClinVar's aggregate classification.
Comment: This variant is classified as likely benign based on ACMG/AMP sequence variant interpretation guidelines (Richards et al. 2015 PMID: 25741868, with internal and published modifications).

NM_001130438.3(SPTAN1):c.3639G>A (p.Glu1213=)

Gene: SPTAN1 (spectrin alpha, non-erythrocytic 1; plus strand). Cytogenetic location: 9q34.11.
Variant type: single nucleotide variant.
Coding change: c.3639G>A on transcript NM_001130438.3 (MANE Select); coding-DNA position 3639, G replaced by A.
Protein change: p.Glu1213=; no amino-acid change (glutamic acid 1213 retained).
Molecular consequence: synonymous variant.
Genome position (GRCh38, 1-based): chr9:128,604,337, G>A. VCF-style: chr9-128604337-G-A. GRCh37 (hg19) VCF-style: chr9-131366616-G-A.
Other names: c.3579G>A, p.Glu1193= (NM_001195532.2, NM_001363765.2); c.3639G>A, p.Glu1213= (NM_001363759.2, NM_003127.4).
Identifiers: ClinVar variation 387836 (VCV000387836.46), dbSNP rs750007543, ClinGen allele CA5265005.